The following is an entry in ClinVar:

NM_001128228.3(TPRN):c.2115C>T (p.Ser705=)

Gene: TPRN (taperin; minus strand). Cytogenetic location: 9q34.3.
Variant type: single nucleotide variant.
Coding change: c.2115C>T on transcript NM_001128228.3 (MANE Select); coding-DNA position 2115, C replaced by T.
Protein change: p.Ser705=; no amino-acid change (serine 705 retained).
Molecular consequence: synonymous variant.
Genome position (GRCh38, 1-based): chr9:137,192,133, G>A on the plus strand (C>T on the coding strand, the complement: TPRN is on the minus strand). VCF-style: chr9-137192133-G-A. GRCh37 (hg19) VCF-style: chr9-140086585-G-A.
Identifiers: ClinVar variation 682509 (VCV000682509.7), dbSNP rs372125769, ClinGen allele CA5362495.

ClinVar aggregate classification (germline): Likely benign. Review status: criteria provided, multiple submitters, no conflicts (2 of 4 stars). 2 submissions from 2 submitters: Likely benign (2). Last evaluated 2023-07-10.

Allele frequency attached by ClinVar (database versions not stated): gnomAD 0.00002; ExAC 0.00004; gnomAD exomes 0.00004; TOPMed 0.00004; ESP Exome Variant Server 0.00008.
gnomAD v4.1: 98 of 1,613,436 alleles (0.0061%); highest among the groups gnomAD compares: South Asian, 0.014%; no homozygotes.

Submissions (2):

Labcorp Genetics (formerly Invitae), Labcorp
Classification: Likely benign. Last evaluated: 2023-07-10. Review status: criteria provided, single submitter. Criteria: Invitae Variant Classification Sherloc (09022015). Collection method: clinical testing. Allele origin: germline.

GeneDx
Classification: Likely benign. Last evaluated: 2018-05-07. Review status: criteria provided, single submitter. Criteria: GeneDx Variant Classification (06012015). Collection method: clinical testing. Allele origin: germline. Affected: yes.
Comment: This variant is considered likely benign or benign based on one or more of the following criteria: it is a conservative change, it occurs at a poorly conserved position in the protein, it is predicted to be benign by multiple in silico algorithms, and/or has population frequency not consistent with disease.